The following is an entry in ClinVar:

ClinVar aggregate classification (germline): Uncertain significance (1 of 4 stars; one submission).

Conditions:
Left ventricular noncompaction 8 (LVNC8). Identifiers: Orphanet 154, Orphanet 54260, MedGen C3809288, MONDO:0014152, OMIM 615373.

Allele frequency attached by ClinVar (database versions not stated): ExAC 0.00002; gnomAD exomes 0.00004 and 0.00006; TOPMed 0.00004; gnomAD 0.00005 and 0.00006; ESP Exome Variant Server 0.00008.
gnomAD v4.1: 86 of 1,613,042 alleles (0.0053%); highest among the groups gnomAD compares: East Asian, 0.013%; no homozygotes.

Submission:

Labcorp Genetics (formerly Invitae), Labcorp
Classification: Uncertain significance for Left ventricular noncompaction 8. Last evaluated: 2026-01-07. Review status: criteria provided, single submitter. Criteria: Invitae Variant Classification Sherloc (09022015). Collection method: clinical testing. Allele origin: germline.
Comment: This sequence change replaces threonine, which is neutral and polar, with methionine, which is neutral and non-polar, at codon 611 of the PRDM16 protein (p.Thr611Met). This variant is present in population databases (rs200936355, gnomAD 0.02%). This variant has not been reported in the literature in individuals affected with PRDM16-related conditions. ClinVar contains an entry for this variant (Variation ID: 647416). An algorithm developed to predict the effect of missense changes on protein structure and function (PolyPhen-2) suggests that this variant is likely to be disruptive. In summary, the available evidence is currently insufficient to determine the role of this variant in disease. Therefore, it has been classified as a Variant of Uncertain Significance.

NM_022114.4(PRDM16):c.1832C>T (p.Thr611Met)

Gene: PRDM16 (PR/SET domain 16; plus strand). Cytogenetic location: 1p36.32.
Variant type: single nucleotide variant.
Coding change: c.1832C>T on transcript NM_022114.4 (MANE Select); coding-DNA position 1832, C replaced by T.
Protein change: p.Thr611Met; replaces threonine 611 with methionine.
Molecular consequence: missense variant.
Genome position (GRCh38, 1-based): chr1:3,412,029, C>T. VCF-style: chr1-3412029-C-T. GRCh37 (hg19) VCF-style: chr1-3328593-C-T.
Other names: c.1832C>T, p.Thr611Met (NM_199454.3); short protein forms T611M.
Identifiers: ClinVar variation 647416 (VCV000647416.8), dbSNP rs200936355, ClinGen allele CA544300.
Genomic context (GRCh38, chr1:3,412,029, plus strand): 5'-TGAAGACCAGGAGCAGCGACATGTCGGACGGCAGTGACTTTGAGGACGTCAACACCACCA[C>T]GGGGACCGACCTGGACACGACCACGGGGACGGGCTCGGACCTGGACAGCGACGTGGACAG-3'
Protein context (NP_071397.3, residues 601-621): GSDFEDVNTT[Thr611Met]GTDLDTTTGT